The following is an entry in ClinVar:

ClinVar aggregate classification (germline): Likely benign (1 of 4 stars; one submission).

Allele frequency attached by ClinVar (database versions not stated): 1000 Genomes Project 30x 0.00078; 1000 Genomes Project 0.00080; TOPMed 0.00342; gnomAD 0.00347; ExAC 0.00485; ESP Exome Variant Server 0.00685.
gnomAD v4.1: 6,518 of 1,521,000 alleles (0.43%); highest among the groups gnomAD compares: Non-Finnish European, 0.52%; 20 homozygotes.

Submission:

CeGaT Center for Human Genetics Tuebingen
Classification: Likely benign. Last evaluated: 2022-10-01. Review status: criteria provided, single submitter. Criteria: CeGaT Center For Human Genetics Tuebingen Variant Classification Criteria Version 2. Collection method: clinical testing. Allele origin: germline. Affected: yes. Observed: 1 variant allele.
Comment: H4C12: BP4, BP7, BS2

NM_003541.3(H4C12):c.57C>T (p.His19=)

Gene: H4C12 (H4 clustered histone 12; minus strand). Cytogenetic location: 6p22.1.
Variant type: single nucleotide variant.
Coding change: c.57C>T on transcript NM_003541.3 (MANE Select); coding-DNA position 57, C replaced by T.
Protein change: p.His19=; no amino-acid change (histidine 19 retained).
Molecular consequence: synonymous variant.
Genome position (GRCh38, 1-based): chr6:27,831,471, G>A on the plus strand (C>T on the coding strand, the complement: H4C12 is on the minus strand). VCF-style: chr6-27831471-G-A. GRCh37 (hg19) VCF-style: chr6-27799249-G-A.
Identifiers: ClinVar variation 2656316 (VCV002656316.24), dbSNP rs144208693, ClinGen allele CA3679275.